The following is an entry in ClinVar:

NM_000503.6(EYA1):c.466del (p.Gln156fs)

Gene: EYA1 (EYA transcriptional coactivator and phosphatase 1; minus strand). Cytogenetic location: 8q13.3.
Variant type: Deletion.
Coding change: c.466del on transcript NM_000503.6 (MANE Select); coding-DNA position 466, one base deleted (C; older notation c.466delC).
Protein change: p.Gln156fs; shifts the reading frame from glutamine 156.
Molecular consequence: frameshift variant.
Genome position (GRCh38, 1-based): chr8:71,317,642, G deleted on the plus strand (C on the coding strand, the reverse complement: EYA1 is on the minus strand). VCF-style (leftmost placement, unchanged base first): chr8-71317641-TG-T. GRCh37 (hg19) VCF-style: chr8-72229876-TG-T.
Other names: c.448del, p.Gln150fs (NM_001288574.2); c.100del, p.Gln34fs (NM_001288575.2); c.553del, p.Gln185fs (NM_001370333.1); c.466del, p.Gln156fs (NM_001370334.1, NM_001370335.1, NM_172058.4); c.535del, p.Gln179fs (NM_001370336.1); c.367del, p.Gln123fs (NM_001411797.1, NM_172060.4); c.538del, p.Gln180fs (NM_172059.5); short protein forms Q123fs, Q150fs, Q156fs, Q179fs, Q180fs, Q185fs, Q34fs.
Identifiers: ClinVar variation 3601110 (VCV003601110.1).

ClinVar aggregate classification (germline): Likely pathogenic (1 of 4 stars; one submission).

Conditions:
Branchiootorenal syndrome 1. Also called: Branchio-Oto-Renal Syndrome 1. Identifiers: Orphanet 107, MedGen C4551702, MONDO:0007236, OMIM 113650.

Submission:

Institute of Rare Diseases, West China Hospital, Sichuan University
Classification: Likely pathogenic for Branchiootorenal syndrome 1. Last evaluated: 2025-01-09. Review status: criteria provided, single submitter. Criteria: ClinGen HL ACMG Specifications v1. Collection method: research. Allele origin: germline. Affected: yes.
Comment: PVS1;PM2_Supporting